The following is an entry in ClinVar:

NM_000264.5(PTCH1):c.559C>T (p.Arg187Cys)

Gene: PTCH1 (patched 1; minus strand). Cytogenetic location: 9q22.32.
Variant type: single nucleotide variant.
Coding change: c.559C>T on transcript NM_000264.5 (MANE Select); coding-DNA position 559, C replaced by T.
Protein change: p.Arg187Cys; replaces arginine 187 with cysteine.
Molecular consequence: missense variant. On other transcripts: non-coding transcript variant (1).
Genome position (GRCh38, 1-based): chr9:95,485,710, G>A on the plus strand (C>T on the coding strand, the complement: PTCH1 is on the minus strand). VCF-style: chr9-95485710-G-A. GRCh37 (hg19) VCF-style: chr9-98247992-G-A.
Other names: c.361C>T, p.Arg121Cys (NM_001083602.3, NM_001354919.2); c.556C>T, p.Arg186Cys (NM_001083603.3); c.106C>T, p.Arg36Cys (NM_001083604.3, NM_001083605.3, NM_001083606.3 and 1 more transcripts); c.559C>T, p.Arg187Cys (NM_001354918.2); short protein forms R187C, R121C, R36C, R186C.
Identifiers: ClinVar variation 524509 (VCV000524509.12), dbSNP rs1554702047, ClinGen allele CA374116661.

ClinVar aggregate classification (germline): Uncertain significance. Review status: criteria provided, multiple submitters, no conflicts (2 of 4 stars). 2 submissions from 2 submitters: Uncertain significance (2). Last evaluated 2025-05-20.

Conditions:
Hereditary cancer-predisposing syndrome. Also called: Neoplastic Syndromes, Hereditary; Tumor predisposition; Hereditary Cancer Syndrome; Hereditary neoplastic syndrome. Identifiers: Orphanet 140162, MedGen C0027672, MeSH D009386, MONDO:0015356.
Gorlin syndrome. Also called: Nevoid Basal Cell Carcinoma Syndrome; Basal cell nevus syndrome. Identifiers: Orphanet 377, MedGen C0004779, MONDO:0007187.

Allele frequency attached by ClinVar (database versions not stated): gnomAD exomes below 0.00001; TOPMed below 0.00001.
gnomAD v4.1: 2 of 1,614,104 alleles (0.00012%); highest among the groups gnomAD compares: Non-Finnish European, 0.00017%; no homozygotes.

Submissions (2):

Ambry Genetics
Classification: Uncertain significance for Hereditary cancer-predisposing syndrome. Last evaluated: 2025-05-20. Review status: criteria provided, single submitter. Criteria: Ambry Variant Classification Scheme 2023. Collection method: clinical testing. Allele origin: germline.
Comment: The p.R187C variant (also known as c.559C>T), located in coding exon 3 of the PTCH1 gene, results from a C to T substitution at nucleotide position 559. The arginine at codon 187 is replaced by cysteine, an amino acid with highly dissimilar properties. This amino acid position is well conserved in available vertebrate species. In addition, the in silico prediction for this alteration is inconclusive. Based on the available evidence, the clinical significance of this variant remains unclear.

Labcorp Genetics (formerly Invitae), Labcorp
Classification: Uncertain significance for Gorlin syndrome. Last evaluated: 2024-09-02. Review status: criteria provided, single submitter. Criteria: Invitae Variant Classification Sherloc (09022015). Collection method: clinical testing. Allele origin: germline.
Comment: This sequence change replaces arginine, which is basic and polar, with cysteine, which is neutral and slightly polar, at codon 187 of the PTCH1 protein (p.Arg187Cys). This variant is not present in population databases (gnomAD no frequency). This variant has not been reported in the literature in individuals affected with PTCH1-related conditions. ClinVar contains an entry for this variant (Variation ID: 524509). Invitae Evidence Modeling of protein sequence and biophysical properties (such as structural, functional, and spatial information, amino acid conservation, physicochemical variation, residue mobility, and thermodynamic stability) indicates that this missense variant is not expected to disrupt PTCH1 protein function with a negative predictive value of 95%. In summary, the available evidence is currently insufficient to determine the role of this variant in disease. Therefore, it has been classified as a Variant of Uncertain Significance.